The following is an entry in ClinVar:

NM_020949.3(SLC7A14):c.1164C>A (p.Cys388Ter)

Genes: SLC7A14 (solute carrier family 7 member 14; minus strand), SLC7A14-AS1 (SLC7A14 antisense RNA 1; plus strand). Cytogenetic location: 3q26.2.
Variant type: single nucleotide variant.
Coding change: c.1164C>A on transcript NM_020949.3 (MANE Select); coding-DNA position 1164, C replaced by A.
Protein change: p.Cys388Ter; replaces cysteine 388 with a stop codon.
Molecular consequence: nonsense.
Genome position (GRCh38, 1-based): chr3:170,481,118, G>T on the plus strand (C>A on the coding strand, the complement: SLC7A14 is on the minus strand). VCF-style: chr3-170481118-G-T. GRCh37 (hg19) VCF-style: chr3-170198907-G-T.
Other names: short protein forms C388*.
Identifiers: ClinVar variation 1356716 (VCV001356716.6), dbSNP rs1185415396, ClinGen allele CA355491296.

ClinVar aggregate classification (germline): Uncertain significance (1 of 4 stars; one submission).

Allele frequency attached by ClinVar (database versions not stated): gnomAD exomes below 0.00001; gnomAD 0.00001; TOPMed 0.00001.
gnomAD v4.1: 7 of 1,613,898 alleles (0.00043%); highest among the groups gnomAD compares: South Asian, 0.0011%; no homozygotes.

Submission:

Labcorp Genetics (formerly Invitae), Labcorp
Classification: Uncertain significance. Last evaluated: 2023-08-24. Review status: criteria provided, single submitter. Criteria: Invitae Variant Classification Sherloc (09022015). Collection method: clinical testing. Allele origin: germline.
Comment: In summary, the available evidence is currently insufficient to determine the role of this variant in disease. Therefore, it has been classified as a Variant of Uncertain Significance. ClinVar contains an entry for this variant (Variation ID: 1356716). This variant has not been reported in the literature in individuals affected with SLC7A14-related conditions. This variant is not present in population databases (gnomAD no frequency). This sequence change creates a premature translational stop signal (p.Cys388*) in the SLC7A14 gene. It is expected to result in an absent or disrupted protein product. However, the current clinical and genetic evidence is not sufficient to establish whether loss-of-function variants in SLC7A14 cause disease.